The following is an entry in ClinVar:

NM_001283009.2(RTEL1):c.1550C>T (p.Pro517Leu)

Genes: RTEL1 (regulator of telomere elongation helicase 1; plus strand), RTEL1-TNFRSF6B (RTEL1-TNFRSF6B readthrough (NMD candidate); plus strand). Cytogenetic location: 20q13.33.
Variant type: single nucleotide variant.
Coding change: c.1550C>T on transcript NM_001283009.2 (MANE Select); coding-DNA position 1550, C replaced by T.
Protein change: p.Pro517Leu; replaces proline 517 with leucine.
Molecular consequence: missense variant. On other transcripts: non-coding transcript variant (1).
Genome position (GRCh38, 1-based): chr20:63,688,005, C>T. VCF-style: chr20-63688005-C-T. GRCh37 (hg19) VCF-style: chr20-62319358-C-T.
Other names: c.881C>T, p.Pro294Leu (NM_001283010.1); c.1550C>T, p.Pro517Leu (NM_016434.4); c.1622C>T, p.Pro541Leu (NM_032957.5); short protein forms P517L, P294L, P541L.
Identifiers: ClinVar variation 3948475 (VCV003948475.1).

ClinVar aggregate classification (germline): Uncertain significance (1 of 4 stars; one submission).

Conditions:
Inborn genetic diseases. Identifiers: MedGen C0950123, MeSH D030342.

gnomAD v4.1: 1 of 1,612,840 alleles (0.000062%); highest among the groups gnomAD compares: Non-Finnish European, 0.000085%; no homozygotes.

Submission:

Ambry Genetics
Classification: Uncertain significance for Inborn genetic diseases. Last evaluated: 2025-06-08. Review status: criteria provided, single submitter. Criteria: Ambry Variant Classification Scheme 2023. Collection method: clinical testing. Allele origin: germline.
Comment: The p.P517L variant (also known as c.1550C>T), located in coding exon 17 of the RTEL1 gene, results from a C to T substitution at nucleotide position 1550. The proline at codon 517 is replaced by leucine, an amino acid with similar properties. This amino acid position is conserved. In addition, the in silico prediction for this alteration is inconclusive. Based on the available evidence, the clinical significance of this variant remains unclear.